The following is an entry in ClinVar:

NM_022051.3(EGLN1):c.979A>G (p.Ile327Val)

Gene: EGLN1 (egl-9 family hypoxia inducible factor 1; minus strand). Cytogenetic location: 1q42.2.
Variant type: single nucleotide variant.
Coding change: c.979A>G on transcript NM_022051.3 (MANE Select); coding-DNA position 979, A replaced by G.
Protein change: p.Ile327Val; replaces isoleucine 327 with valine.
Molecular consequence: missense variant.
Genome position (GRCh38, 1-based): chr1:231,374,012, T>C on the plus strand (A>G on the coding strand, the complement: EGLN1 is on the minus strand). VCF-style: chr1-231374012-T-C. GRCh37 (hg19) VCF-style: chr1-231509758-T-C.
Other names: c.979A>G, p.Ile327Val (NM_001377260.1, NM_001377261.1); short protein forms I327V.
Identifiers: ClinVar variation 3227749 (VCV003227749.1), dbSNP rs2527236876, ClinGen allele CA345241365.
Genomic context (GRCh38, chr1:231,374,012, plus strand): 5'-AAAATAAATGCTCAATTAAGTTGCATACCTTGGCATCCCAGTCTTTATTAAGATAATATA[T>C]ACATGTCACACATCTTCCATCTCCATTTGGATTATCAACATGACGTACATAACCCGTTCC-3'
Protein context (NP_071334.1, residues 317-337): PNGDGRCVTC[Ile327Val]YYLNKDWDAK

ClinVar aggregate classification (germline): Uncertain significance (1 of 4 stars; one submission).

Submission:

Ambry Genetics
Classification: Uncertain significance. Last evaluated: 2024-03-14. Review status: criteria provided, single submitter. Criteria: Ambry Variant Classification Scheme 2023. Collection method: clinical testing. Allele origin: germline.
Comment: The p.I327V variant (also known as c.979A>G), located in coding exon 2 of the EGLN1 gene, results from an A to G substitution at nucleotide position 979. The isoleucine at codon 327 is replaced by valine, an amino acid with highly similar properties. This amino acid position is conserved. In addition, this alteration is predicted to be tolerated by in silico analysis. Based on the available evidence, the clinical significance of this alteration remains unclear.